The following is an entry in ClinVar:

ClinVar aggregate classification (germline): Conflicting classifications of pathogenicity. Review status: criteria provided, conflicting classifications (1 of 4 stars). 2 submissions from 2 submitters: Uncertain significance (1); Likely benign (1). Last evaluated 2026-05-27.

Conditions:
Hereditary cancer-predisposing syndrome. Also called: Neoplastic Syndromes, Hereditary; Hereditary Cancer Syndrome; Hereditary neoplastic syndrome; Tumor predisposition. Identifiers: Orphanet 140162, MedGen C0027672, MeSH D009386, MONDO:0015356.
Gastrointestinal stromal tumor. Also called: Gastrointestinal stroma tumor; Gastrointestinal stromal tumor, somatic. Identifiers: Orphanet 44890, MedGen C0238198, MeSH D046152, MONDO:0011719, OMIM 606764, HP:0100723.

Submissions (2):

Ambry Genetics
Classification: Uncertain significance for Hereditary cancer-predisposing syndrome. Last evaluated: 2026-05-27. Review status: criteria provided, single submitter. Criteria: Ambry Variant Classification Scheme 2023. Collection method: clinical testing. Allele origin: germline.
Comment: The c.69C>T variant (also known as p.C23C), located in coding exon 2 of the PDGFRA gene, results from a C to T substitution at nucleotide position 69. This nucleotide substitution does not change the amino acid at codon 23. This nucleotide position is well conserved in available vertebrate species. In silico splice site analysis for this alteration is inconclusive. Based on the available evidence, the clinical significance of this variant remains unclear.

Labcorp Genetics (formerly Invitae), Labcorp
Classification: Likely benign for Gastrointestinal stromal tumor. Last evaluated: 2023-09-05. Review status: criteria provided, single submitter. Criteria: Invitae Variant Classification Sherloc (09022015). Collection method: clinical testing. Allele origin: germline.

NM_006206.6(PDGFRA):c.69C>T (p.Cys23=)

Gene: PDGFRA (platelet derived growth factor receptor alpha; plus strand). Cytogenetic location: 4q12.
Variant type: single nucleotide variant.
Coding change: c.69C>T on transcript NM_006206.6 (MANE Select); coding-DNA position 69, C replaced by T.
Protein change: p.Cys23=; no amino-acid change (cysteine 23 retained).
Molecular consequence: synonymous variant.
Genome position (GRCh38, 1-based): chr4:54,261,114, C>T. VCF-style: chr4-54261114-C-T. GRCh37 (hg19) VCF-style: chr4-55127281-C-T.
Other names: c.69C>T (NM_006206.4); c.69C>T, p.Cys23= (NM_001347827.2, NM_001347829.2); c.144C>T, p.Cys48= (NM_001347828.2); c.108C>T, p.Cys36= (NM_001347830.2).
Identifiers: ClinVar variation 1103025 (VCV001103025.10), dbSNP rs2110241691, ClinGen allele CA439408384.